The following is an entry in ClinVar:

NM_000059.4(BRCA2):c.2218C>G (p.Pro740Ala)

Gene: BRCA2 (BRCA2 DNA repair associated; plus strand). Cytogenetic location: 13q13.1.
Variant type: single nucleotide variant.
Coding change: c.2218C>G on transcript NM_000059.4 (MANE Select); coding-DNA position 2218, C replaced by G.
Protein change: p.Pro740Ala; replaces proline 740 with alanine.
Molecular consequence: missense variant.
Genome position (GRCh38, 1-based): chr13:32,336,573, C>G. VCF-style: chr13-32336573-C-G. GRCh37 (hg19) VCF-style: chr13-32910710-C-G.
Other names: short protein forms P740A.
Identifiers: ClinVar variation 1061527 (VCV001061527.12), dbSNP rs2137484346, ClinGen allele CA387770655.

ClinVar aggregate classification (germline): Conflicting classifications of pathogenicity. Review status: criteria provided, conflicting classifications (1 of 4 stars). 3 submissions from 3 submitters: Uncertain significance (2); Likely benign (1). Last evaluated 2023-03-23.

Conditions:
Hereditary cancer-predisposing syndrome. Also called: Neoplastic Syndromes, Hereditary; Hereditary Cancer Syndrome; Hereditary neoplastic syndrome; Tumor predisposition. Identifiers: Orphanet 140162, MedGen C0027672, MeSH D009386, MONDO:0015356.
Hereditary breast ovarian cancer syndrome. Also called: Hereditary breast and/or ovarian cancer syndrome; Breast and ovarian cancer; BRCA1- and BRCA2-Associated Hereditary Breast and Ovarian Cancer; Hereditary breast and ovarian cancer syndrome; Hereditary breast and ovarian cancer syndrome (HBOC); Hereditary breast and ovarian cancer. Identifiers: Orphanet 145, MedGen C0677776, MeSH D061325, MONDO:0003582. Disease mechanism: loss of function.

Submissions (3):

University of Washington Department of Laboratory Medicine, University of Washington
Classification: Likely benign for Hereditary cancer-predisposing syndrome. Last evaluated: 2023-03-23. Review status: criteria provided, single submitter. Criteria: Dines et al. (Genet Med. 2020). Collection method: curation. Allele origin: germline.
Comment: Missense variant in a coldspot region where missense variants are very unlikely to be pathogenic (PMID:31911673).

BRCA2 exon 11 coldspot. Reclassification based on statistical prior probability.

Ambry Genetics
Classification: Uncertain significance for Hereditary cancer-predisposing syndrome. Last evaluated: 2022-10-15. Review status: criteria provided, single submitter. Criteria: Ambry Variant Classification Scheme 2023. Collection method: clinical testing. Allele origin: germline.
Comment: The p.P740A variant (also known as c.2218C>G), located in coding exon 10 of the BRCA2 gene, results from a C to G substitution at nucleotide position 2218. The proline at codon 740 is replaced by alanine, an amino acid with highly similar properties. This amino acid position is conserved. In addition, this alteration is predicted to be tolerated by in silico analysis. Since supporting evidence is limited at this time, the clinical significance of this alteration remains unclear.

Labcorp Genetics (formerly Invitae), Labcorp
Classification: Uncertain significance for Hereditary breast ovarian cancer syndrome. Last evaluated: 2020-07-19. Review status: criteria provided, single submitter. Criteria: Invitae Variant Classification Sherloc (09022015). Collection method: clinical testing. Allele origin: germline.
Comment: This variant has not been reported in the literature in individuals with BRCA2-related conditions. Algorithms developed to predict the effect of missense changes on protein structure and function (SIFT, PolyPhen-2, Align-GVGD) all suggest that this variant is likely to be tolerated, but these predictions have not been confirmed by published functional studies and their clinical significance is uncertain. In summary, the available evidence is currently insufficient to determine the role of this variant in disease. Therefore, it has been classified as a Variant of Uncertain Significance. This variant is not present in population databases (ExAC no frequency). This sequence change replaces proline with alanine at codon 740 of the BRCA2 protein (p.Pro740Ala). The proline residue is weakly conserved and there is a small physicochemical difference between proline and alanine.